The following is an entry in ClinVar:

ClinVar aggregate classification (germline): Uncertain significance. Review status: criteria provided, multiple submitters, no conflicts (2 of 4 stars). 2 submissions from 2 submitters: Uncertain significance (2). Last evaluated 2025-11-03.

Allele frequency attached by ClinVar (database versions not stated): ExAC 0.00015; TOPMed 0.00016; gnomAD 0.00020 and 0.00022; ESP Exome Variant Server 0.00025.
gnomAD v4.1: 49 of 1,538,006 alleles (0.0032%); highest among the groups gnomAD compares: African/African-American, 0.065%; no homozygotes.

Submissions (2):

Ambry Genetics
Classification: Uncertain significance. Last evaluated: 2025-11-03. Review status: criteria provided, single submitter. Criteria: Ambry Variant Classification Scheme 2023. Collection method: clinical testing. Allele origin: germline.

Labcorp Genetics (formerly Invitae), Labcorp
Classification: Uncertain significance. Last evaluated: 2024-11-15. Review status: criteria provided, single submitter. Criteria: Invitae Variant Classification Sherloc (09022015). Collection method: clinical testing. Allele origin: germline.
Comment: This sequence change replaces aspartic acid, which is acidic and polar, with asparagine, which is neutral and polar, at codon 220 of the PLEKHM2 protein (p.Asp220Asn). This variant is present in population databases (rs375501738, gnomAD 0.07%), and has an allele count higher than expected for a pathogenic variant. This variant has not been reported in the literature in individuals affected with PLEKHM2-related conditions. ClinVar contains an entry for this variant (Variation ID: 840394). An algorithm developed to predict the effect of missense changes on protein structure and function (PolyPhen-2) suggests that this variant is likely to be disruptive. Algorithms developed to predict the effect of sequence changes on RNA splicing suggest that this variant may disrupt the consensus splice site. In summary, the available evidence is currently insufficient to determine the role of this variant in disease. Therefore, it has been classified as a Variant of Uncertain Significance.

NM_015164.4(PLEKHM2):c.658G>A (p.Asp220Asn)

Gene: PLEKHM2 (pleckstrin homology and RUN domain containing M2; plus strand). Cytogenetic location: 1p36.21.
Variant type: single nucleotide variant.
Coding change: c.658G>A on transcript NM_015164.4 (MANE Select); coding-DNA position 658, G replaced by A.
Protein change: p.Asp220Asn; replaces aspartic acid 220 with asparagine.
Molecular consequence: missense variant.
Genome position (GRCh38, 1-based): chr1:15,721,334, G>A. VCF-style: chr1-15721334-G-A. GRCh37 (hg19) VCF-style: chr1-16047829-G-A.
Other names: short protein forms D220N.
Identifiers: ClinVar variation 840394 (VCV000840394.10), dbSNP rs375501738, ClinGen allele CA616750.